The following is an entry in ClinVar:

NM_001034853.2(RPGR):c.106G>T (p.Val36Phe)

Gene: RPGR (retinitis pigmentosa GTPase regulator; minus strand). Cytogenetic location: Xp11.4.
Variant type: single nucleotide variant.
Coding change: c.106G>T on transcript NM_001034853.2 (MANE Select); coding-DNA position 106, G replaced by T.
Protein change: p.Val36Phe; replaces valine 36 with phenylalanine.
Molecular consequence: missense variant. On other transcripts: non-coding transcript variant (6).
Genome position (GRCh38, 1-based): chrX:38,323,447, C>A on the plus strand (G>T on the coding strand, the complement: RPGR is on the minus strand). VCF-style: chrX-38323447-C-A. GRCh37 (hg19) VCF-style: chrX-38182700-C-A.
Other names: c.106G>T, p.Val36Phe (NM_000328.3, NM_001367245.1, NM_001367246.1 and 4 more transcripts); c.136G>T, p.Val46Phe (NM_001367248.1); short protein forms V36F, V46F.
Identifiers: ClinVar variation 98726 (VCV000098726.6), dbSNP rs62638628, ClinGen allele CA226340.
Genomic context (GRCh38, chrX:38,323,447, plus strand): 5'-TGTAATACTAACCGGTAACAACAGCAGAATGTTCATCTCCACATGAAAGATGTACAGGGA[C>A]ATCATTTTTAAACCAGAATTTACCGGGATTATTTTCAGCAAATTTACTTTTCCCAAATGT-3'
Protein context (NP_001030025.1, residues 26-46): NPGKFWFKND[Val36Phe]PVHLSCGDEH

ClinVar aggregate classification (germline): Uncertain significance. Review status: criteria provided, single submitter (1 of 4 stars). 2 submissions from 2 submitters: Uncertain significance (1). 1 of the submissions does not count toward it. Last evaluated 2023-08-30.

Conditions:
Primary ciliary dyskinesia. Also called: Ciliary dyskinesia. Identifiers: Orphanet 244, MedGen C0008780, MONDO:0016575, HP:0012265.

Allele frequency attached by ClinVar (database versions not stated): gnomAD 0.00001; TOPMed 0.00001.
gnomAD v4.1: 5 of 1,205,139 alleles (0.00041%); highest among the groups gnomAD compares: Non-Finnish European, 0.00056%; no homozygotes.

Submissions (2):

Labcorp Genetics (formerly Invitae), Labcorp
Classification: Uncertain significance for Primary ciliary dyskinesia. Last evaluated: 2023-08-30. Review status: criteria provided, single submitter. Criteria: Invitae Variant Classification Sherloc (09022015). Collection method: clinical testing. Allele origin: germline.
Comment: This sequence change replaces valine, which is neutral and non-polar, with phenylalanine, which is neutral and non-polar, at codon 36 of the RPGR protein (p.Val36Phe). This variant is present in population databases (rs62638628, gnomAD 0.004%). This variant has not been reported in the literature in individuals affected with RPGR-related conditions. In summary, the available evidence is currently insufficient to determine the role of this variant in disease. Therefore, it has been classified as a Variant of Uncertain Significance. Experimental studies are conflicting or provide insufficient evidence to determine the effect of this variant on RPGR function (PMID: 9990021, 23213406, 30622176). Advanced modeling of protein sequence and biophysical properties (such as structural, functional, and spatial information, amino acid conservation, physicochemical variation, residue mobility, and thermodynamic stability) has been performed at Invitae for this missense variant, however the output from this modeling did not meet the statistical confidence thresholds required to predict the impact of this variant on RPGR protein function. ClinVar contains an entry for this variant (Variation ID: 98726).

Retina International
No classification provided. Review status: no classification provided. Collection method: not provided. Allele origin: not provided. Not counted in ClinVar's aggregate classification.

Literature cited by the submitters: PubMed 9990021 (cited by Labcorp Genetics (formerly Invitae), Labcorp); PubMed 23213406 (cited by Labcorp Genetics (formerly Invitae), Labcorp); PubMed 30622176 (cited by Labcorp Genetics (formerly Invitae), Labcorp).